The following is an entry in ClinVar:

NM_005876.5(SPEG):c.5541G>A (p.Glu1847=)

Gene: SPEG (striated muscle enriched protein kinase; plus strand). Cytogenetic location: 2q35.
Variant type: single nucleotide variant.
Coding change: c.5541G>A on transcript NM_005876.5 (MANE Select); coding-DNA position 5541, G replaced by A.
Protein change: p.Glu1847=; no amino-acid change (glutamic acid 1847 retained).
Molecular consequence: synonymous variant.
Genome position (GRCh38, 1-based): chr2:219,481,656, G>A. VCF-style: chr2-219481656-G-A. GRCh37 (hg19) VCF-style: chr2-220346378-G-A.
Identifiers: ClinVar variation 767859 (VCV000767859.10), dbSNP rs190001816, ClinGen allele CA2126866.

ClinVar aggregate classification (germline): Likely benign. Review status: criteria provided, multiple submitters, no conflicts (2 of 4 stars). 2 submissions from 2 submitters: Likely benign (2). Last evaluated 2026-06-28.

Conditions:
SPEG-related disorder. Also called: SPEG-related condition.

Allele frequency attached by ClinVar (database versions not stated): gnomAD exomes 0.00004 and 0.00014; ExAC 0.00019; gnomAD 0.00055 and 0.00058; ESP Exome Variant Server 0.00074; 1000 Genomes Project 0.00080; 1000 Genomes Project 30x 0.00062; TOPMed 0.00063.
gnomAD v4.1: 150 of 1,614,154 alleles (0.0093%); highest among the groups gnomAD compares: African/African-American, 0.18%; no homozygotes.

Submissions (2):

PreventionGenetics, part of Exact Sciences
Classification: Likely benign for SPEG-related condition. Last evaluated: 2026-06-28. Review status: criteria provided, single submitter. Criteria: ACMG Guidelines, 2015. Collection method: clinical testing. Allele origin: germline.
Comment: This variant is classified as likely benign based on ACMG/AMP sequence variant interpretation guidelines (Richards et al. 2015 PMID: 25741868, with internal and published modifications).

Labcorp Genetics (formerly Invitae), Labcorp
Classification: Likely benign. Last evaluated: 2025-08-18. Review status: criteria provided, single submitter. Criteria: Invitae Variant Classification Sherloc (09022015). Collection method: clinical testing. Allele origin: germline.